The following is an entry in ClinVar:

NM_005076.5(CNTN2):c.2731+1G>A

Gene: CNTN2 (contactin 2; plus strand). Cytogenetic location: 1q32.1.
Variant type: single nucleotide variant.
Coding change: c.2731+1G>A on transcript NM_005076.5 (MANE Select); the canonical splice donor site of the intron after coding-DNA position 2731, G replaced by A.
Molecular consequence: splice donor variant.
Genome position (GRCh38, 1-based): chr1:205,072,134, G>A. VCF-style: chr1-205072134-G-A. GRCh37 (hg19) VCF-style: chr1-205041262-G-A.
Other names: c.2731+1G>A (NM_001346083.2).
Identifiers: ClinVar variation 1068043 (VCV001068043.7), dbSNP rs1202358073, ClinGen allele CA344381554.
Genomic context (GRCh38, chr1:205,072,134, plus strand): 5'-ACAACCGGGCTGGCACTGGGCCTGCCAGCCCTTCTGCCAACGCCACGACCATGAAGCCCC[G>A]TGAGTCTGTCTGCCTGGGGTGGGGGTAGGGCAATATTTTGGAGGGTGGGTGCCTCTGAGA-3'

ClinVar aggregate classification (germline): Likely pathogenic (1 of 4 stars; one submission).

Conditions:
Epilepsy, familial adult myoclonic, 5 (EPEO5). Also called: CORTICAL MYOCLONIC TREMOR WITH EPILEPSY, FAMILIAL, 5. Identifiers: Orphanet 86814, MedGen C3809374, MONDO:0014167, OMIM 615400.

Allele frequency attached by ClinVar (database versions not stated): gnomAD exomes below 0.00001 and 0.00002.

Submission:

Labcorp Genetics (formerly Invitae), Labcorp
Classification: Likely pathogenic for Epilepsy, familial adult myoclonic, 5. Last evaluated: 2025-08-18. Review status: criteria provided, single submitter. Criteria: Invitae Variant Classification Sherloc (09022015). Collection method: clinical testing. Allele origin: germline.
Comment: This sequence change affects a donor splice site in intron 20 of the CNTN2 gene. It is expected to disrupt RNA splicing. Variants that disrupt the donor or acceptor splice site typically lead to a loss of protein function (PMID: 16199547), and loss-of-function variants in CNTN2 are known to be pathogenic (PMID: 11178983, 23518707). This variant is present in population databases (no rsID available, gnomAD 0.0009%). This variant has not been reported in the literature in individuals affected with CNTN2-related conditions. ClinVar contains an entry for this variant (Variation ID: 1068043). Algorithms developed to predict the effect of sequence changes on RNA splicing suggest that this variant may disrupt the consensus splice site. In summary, the currently available evidence indicates that the variant is pathogenic, but additional data are needed to prove that conclusively. Therefore, this variant has been classified as Likely Pathogenic.

Literature cited by the submitters: PubMed 16199547; PubMed 11178983; PubMed 23518707.